The following is an entry in ClinVar:

NM_001182.5(ALDH7A1):c.1474A>G (p.Ile492Val)

Gene: ALDH7A1 (aldehyde dehydrogenase 7 family member A1; minus strand). Cytogenetic location: 5q23.2.
Variant type: single nucleotide variant.
Coding change: c.1474A>G on transcript NM_001182.5 (MANE Select); coding-DNA position 1474, A replaced by G.
Protein change: p.Ile492Val; replaces isoleucine 492 with valine.
Molecular consequence: missense variant.
Genome position (GRCh38, 1-based): chr5:126,549,944, T>C on the plus strand (A>G on the coding strand, the complement: ALDH7A1 is on the minus strand). VCF-style: chr5-126549944-T-C. GRCh37 (hg19) VCF-style: chr5-125885636-T-C.
Other names: c.1390A>G, p.Ile464Val (NM_001201377.2); c.1282A>G, p.Ile428Val (NM_001202404.2); short protein forms I492V, I428V, I464V.
Identifiers: ClinVar variation 1523266 (VCV001523266.3), dbSNP rs1173360765, ClinGen allele CA360720906.

ClinVar aggregate classification (germline): Uncertain significance (1 of 4 stars; one submission).

Conditions:
Pyridoxine-dependent epilepsy (EPEO4). Also called: Pyridoxine-Dependent Seizures; Pyridoxine-Dependent Epilepsy - ALDH7A1; PYRIDOXINE DEPENDENCY WITH SEIZURES; EPILEPSY, EARLY-ONSET, 4, VITAMIN B6-DEPENDENT. Identifiers: Orphanet 3006, MedGen C1849508, MONDO:0009945, OMIM 266100. Disease mechanism: loss of function.

Allele frequency attached by ClinVar (database versions not stated): gnomAD exomes below 0.00001.
gnomAD v4.1: 1 of 1,614,164 alleles (0.000062%); highest among the groups gnomAD compares: Admixed American, 0.0017%; no homozygotes.

Submission:

Labcorp Genetics (formerly Invitae), Labcorp
Classification: Uncertain significance for Pyridoxine-dependent epilepsy. Last evaluated: 2022-08-22. Review status: criteria provided, single submitter. Criteria: Invitae Variant Classification Sherloc (09022015). Collection method: clinical testing. Allele origin: germline.
Comment: This sequence change replaces isoleucine, which is neutral and non-polar, with valine, which is neutral and non-polar, at codon 492 of the ALDH7A1 protein (p.Ile492Val). This variant is present in population databases (no rsID available, gnomAD 0.003%). This variant has not been reported in the literature in individuals affected with ALDH7A1-related conditions. ClinVar contains an entry for this variant (Variation ID: 1523266). Algorithms developed to predict the effect of missense changes on protein structure and function (SIFT, PolyPhen-2, Align-GVGD) all suggest that this variant is likely to be disruptive. Algorithms developed to predict the effect of sequence changes on RNA splicing suggest that this variant may create or strengthen a splice site. In summary, the available evidence is currently insufficient to determine the role of this variant in disease. Therefore, it has been classified as a Variant of Uncertain Significance.